The following is an entry in ClinVar:

ClinVar aggregate classification (germline): Uncertain significance (1 of 4 stars; one submission).

Conditions:
Tuberous sclerosis 1 (TSC1). Identifiers: Orphanet 805, MedGen C1854465, MONDO:0008612, OMIM 191100.

Submission:

Labcorp Genetics (formerly Invitae), Labcorp
Classification: Uncertain significance for Tuberous sclerosis 1. Last evaluated: 2021-11-18. Review status: criteria provided, single submitter. Criteria: Invitae Variant Classification Sherloc (09022015). Collection method: clinical testing. Allele origin: germline.
Comment: In summary, the available evidence is currently insufficient to determine the role of this variant in disease. Therefore, it has been classified as a Variant of Uncertain Significance. Experimental studies and prediction algorithms are not available or were not evaluated, and the functional significance of this variant is currently unknown. This variant has not been reported in the literature in individuals affected with TSC1-related conditions. This variant is a gross deletion that occurs in a non-coding region of the TSC1 gene. It does not change the encoded amino acid sequence of the TSC1 protein.

NC_000009.11:g.(?_135820391)_(135821434_?)del

Gene: TSC1 (TSC complex subunit 1; minus strand). Cytogenetic location: 9q34.13.
Variant type: Deletion.
Identifiers: ClinVar variation 2422968 (VCV002422968.3).